The following is an entry in ClinVar:

ClinVar aggregate classification (germline): Likely benign. Review status: criteria provided, multiple submitters, no conflicts (2 of 4 stars). 2 submissions from 2 submitters: Likely benign (2). Last evaluated 2026-09-02.

Conditions:
DCHS1-related disorder. Also called: DCHS1-related condition.

Allele frequency attached by ClinVar (database versions not stated): gnomAD exomes 0.00004; ExAC 0.00014; 1000 Genomes Project 30x 0.00016; 1000 Genomes Project 0.00020; gnomAD 0.00037; ESP Exome Variant Server 0.00039; TOPMed 0.00042.
gnomAD v4.1: 108 of 1,604,708 alleles (0.0067%); highest among the groups gnomAD compares: African/African-American, 0.13%; no homozygotes.

Submissions (2):

PreventionGenetics, part of Exact Sciences
Classification: Likely benign for DCHS1-related condition. Last evaluated: 2026-09-02. Review status: criteria provided, single submitter. Criteria: ACMG Guidelines, 2015. Collection method: clinical testing. Allele origin: germline.
Comment: This variant is classified as likely benign based on ACMG/AMP sequence variant interpretation guidelines (Richards et al. 2015 PMID: 25741868, with internal and published modifications).

Labcorp Genetics (formerly Invitae), Labcorp
Classification: Likely benign. Last evaluated: 2025-10-24. Review status: criteria provided, single submitter. Criteria: Invitae Variant Classification Sherloc (09022015). Collection method: clinical testing. Allele origin: germline.

NM_003737.4(DCHS1):c.8481G>A (p.Arg2827=)

Gene: DCHS1 (dachsous cadherin-related 1; minus strand). Cytogenetic location: 11p15.4.
Variant type: single nucleotide variant.
Coding change: c.8481G>A on transcript NM_003737.4 (MANE Select); coding-DNA position 8481, G replaced by A.
Protein change: p.Arg2827=; no amino-acid change (arginine 2827 retained).
Molecular consequence: synonymous variant.
Genome position (GRCh38, 1-based): chr11:6,623,195, C>T on the plus strand (G>A on the coding strand, the complement: DCHS1 is on the minus strand). VCF-style: chr11-6623195-C-T. GRCh37 (hg19) VCF-style: chr11-6644426-C-T.
Other names: c.8481G>A (NM_003737.3).
Identifiers: ClinVar variation 2179707 (VCV002179707.5), dbSNP rs139613271, ClinGen allele CA5859408.